The following is an entry in ClinVar:

NC_000001.10:g.(?_21835915)_(21904904_?)del

Gene: ALPL (alkaline phosphatase, biomineralization associated; plus strand). Cytogenetic location: 1p36.12.
Variant type: Deletion.
Identifiers: ClinVar variation 3068880 (VCV003068880.1).

ClinVar aggregate classification (germline): Pathogenic (1 of 4 stars; one submission).

Conditions:
Hypophosphatasia. Also called: Phosphoethanol-aminuria. Identifiers: Orphanet 436, MedGen C0020630, MeSH D007014, MONDO:0018570.

Submission:

Women's Health and Genetics/Laboratory Corporation of America, LabCorp
Classification: Pathogenic for Hypophosphatasia. Last evaluated: 2024-02-20. Review status: criteria provided, single submitter. Criteria: LabCorp Variant Classification Summary - May 2015. Collection method: clinical testing. Allele origin: germline.
Comment: Variant summary: The variant involves the deletion of exons 1-12 in the ALPL gene. This deletion includes the entire coding sequence of the gene. As the exact proximal and distal breakpoints are unknown, it may extend beyond the annotated region of the gene to include other flanking genes. A presumed nomenclature of c.(?_-200)_(*763_?)del has been designated for the purposes of this classification. The variant was absent in 21692 control chromosomes (gnomAD). To our knowledge, no occurrence of c.(?_-200)_(*763_?)del in individuals affected with Hypophosphatasia and no experimental evidence demonstrating its impact on protein function have been reported. ClinVar contains an entry for this variant (Variation ID: 1074110). Based on the evidence outlined above, the variant was classified as pathogenic.